The following is an entry in ClinVar:

ClinVar aggregate classification (germline): Uncertain significance (1 of 4 stars; one submission).

Conditions:
GDAP1-related disorder. Also called: GDAP1-related condition; GDAP1-related disorders.

Submission:

PreventionGenetics, part of Exact Sciences
Classification: Uncertain significance for GDAP1-related condition. Last evaluated: 2025-10-21. Review status: criteria provided, single submitter. Criteria: ACMG Guidelines, 2015. Collection method: clinical testing. Allele origin: germline.
Comment: The GDAP1 c.773C>G variant is predicted to result in the amino acid substitution p.Ala258Gly. Of note, this variant would be referred to as c.*124389C>G (post-coding) with the commonly reported isoform, NM_018972. To our knowledge, this variant has not been reported in the literature or in gnomAD v2. However, in gnomAD v4 (available only on GRCh38), this variant is reported in 62 of 152302 alleles in a subpopulation, including 1 homozygote. This population data is not consistent with this variant being a primary cause of disease. At this time, the clinical significance of this variant is uncertain due to the absence of conclusive functional and genetic evidence.

NM_001362931.2(GDAP1):c.773C>G (p.Ala258Gly)

Gene: GDAP1 (ganglioside induced differentiation associated protein 1; plus strand). Cytogenetic location: 8q21.11.
Variant type: single nucleotide variant.
Coding change: c.773C>G on transcript NM_001362931.2; coding-DNA position 773, C replaced by G.
Protein change: p.Ala258Gly; replaces alanine 258 with glycine.
Molecular consequence: missense variant.
Genome position (GRCh38, 1-based): chr8:74,488,756, C>G. VCF-style: chr8-74488756-C-G. GRCh37 (hg19) VCF-style: chr8-75400991-C-G.
Other names: short protein forms A258G.
Identifiers: ClinVar variation 4987664 (VCV004987664.1).